The following is an entry in ClinVar:

NM_001243133.2(NLRP3):c.145C>T (p.His49Tyr)

Gene: NLRP3 (NLR family pyrin domain containing 3; plus strand). Cytogenetic location: 1q44.
Variant type: single nucleotide variant.
Coding change: c.145C>T on transcript NM_001243133.2 (MANE Select); coding-DNA position 145, C replaced by T.
Protein change: p.His49Tyr; replaces histidine 49 with tyrosine.
Molecular consequence: missense variant.
Genome position (GRCh38, 1-based): chr1:247,418,945, C>T. VCF-style: chr1-247418945-C-T. GRCh37 (hg19) VCF-style: chr1-247582247-C-T.
Other names: c.145C>T, p.His49Tyr (NM_001079821.3, NM_001127461.3, NM_001127462.3 and 1 more transcripts); c.151C>T, p.His51Tyr (NM_004895.5); short protein forms H49Y, H51Y.
Identifiers: ClinVar variation 4767340 (VCV004767340.1).

ClinVar aggregate classification (germline): Uncertain significance (1 of 4 stars; one submission).

Conditions:
Cryopyrin associated periodic syndrome (CAPS). Identifiers: Orphanet 208650, MedGen C2316212, MONDO:0016168.

Submission:

Labcorp Genetics (formerly Invitae), Labcorp
Classification: Uncertain significance for Cryopyrin associated periodic syndrome. Last evaluated: 2025-11-23. Review status: criteria provided, single submitter. Criteria: Invitae Variant Classification Sherloc (09022015). Collection method: clinical testing. Allele origin: germline.
Comment: This sequence change replaces histidine, which is basic and polar, with tyrosine, which is neutral and polar, at codon 51 of the NLRP3 protein (p.His51Tyr). This variant is not present in population databases (gnomAD no frequency). This variant has not been reported in the literature in individuals affected with NLRP3-related conditions. Invitae Evidence Modeling of protein sequence and biophysical properties (such as structural, functional, and spatial information, amino acid conservation, physicochemical variation, residue mobility, and thermodynamic stability) indicates that this missense variant is not expected to disrupt NLRP3 protein function with a negative predictive value of 95%. In summary, the available evidence is currently insufficient to determine the role of this variant in disease. Therefore, it has been classified as a Variant of Uncertain Significance.